The following is an entry in ClinVar:

ClinVar aggregate classification (germline): Uncertain significance (1 of 4 stars; one submission).

Conditions:
TRIM32-related disorder. Also called: TRIM32-related condition.

Submission:

PreventionGenetics, part of Exact Sciences
Classification: Uncertain significance for TRIM32-related condition. Last evaluated: 2025-12-04. Review status: criteria provided, single submitter. Criteria: ACMG Guidelines, 2015. Collection method: clinical testing. Allele origin: germline.
Comment: The TRIM32 c.1708T>G variant is predicted to result in the amino acid substitution p.Ser570Ala. To our knowledge, this variant has not been reported in the literature or in a large population database (gnomAD), indicating this variant is rare. At this time, the clinical significance of this variant is uncertain due to the absence of conclusive functional and genetic evidence.

NM_012210.4(TRIM32):c.1708T>G (p.Ser570Ala)

Genes: ASTN2 (astrotactin 2; minus strand), TRIM32 (tripartite motif containing 32; plus strand). Cytogenetic location: 9q33.1.
Variant type: single nucleotide variant.
Coding change: c.1708T>G on transcript NM_012210.4 (MANE Select); coding-DNA position 1708, T replaced by G.
Protein change: p.Ser570Ala; replaces serine 570 with alanine.
Molecular consequence: missense variant. On other transcripts: intron variant (3).
Genome position (GRCh38, 1-based): chr9:116,699,450, T>G. VCF-style: chr9-116699450-T-G. GRCh37 (hg19) VCF-style: chr9-119461729-T-G.
Other names: c.1708T>G, p.Ser570Ala (NM_001099679.2, NM_001379048.1, NM_001379049.1 and 1 more transcripts); c.2653+26321A>C (NM_014010.5); c.2794+26321A>C (NM_001365069.1); c.2806+26321A>C (NM_001365068.1); short protein forms S570A.
Identifiers: ClinVar variation 4995965 (VCV004995965.1).